The following is an entry in ClinVar:

NM_000127.3(EXT1):c.1157T>G (p.Leu386Ter)

Gene: EXT1 (exostosin glycosyltransferase 1; minus strand). Cytogenetic location: 8q24.11.
Variant type: single nucleotide variant.
Coding change: c.1157T>G on transcript NM_000127.3 (MANE Select); coding-DNA position 1157, T replaced by G.
Protein change: p.Leu386Ter; replaces leucine 386 with a stop codon.
Molecular consequence: nonsense.
Genome position (GRCh38, 1-based): chr8:117,835,451, A>C on the plus strand (T>G on the coding strand, the complement: EXT1 is on the minus strand). VCF-style: chr8-117835451-A-C. GRCh37 (hg19) VCF-style: chr8-118847690-A-C.
Other names: short protein forms L386*.
Identifiers: ClinVar variation 1073473 (VCV001073473.9), dbSNP rs2129786157, ClinGen allele CA371891863.
Genomic context (GRCh38, chr8:117,835,451, plus strand): 5'-ACGGGGGCAGCAATAATCTGCTGATGTGTTGAAGGCCACAGCCCCTTCCTTACCTGTAAT[A>C]ACAATCTCTCATCGCCTATGACGGCAGCTTGGTTCCAATTAATCACTTCAGAGAATGGCA-3'

ClinVar aggregate classification (germline): Pathogenic (1 of 4 stars; one submission).

Conditions:
Multiple congenital exostosis (EXT). Also called: Multiple osteochondromas; MULTIPLE CARTILAGINOUS EXOSTOSES; Hereditary multiple exostoses; Hereditary multiple exostosis; Multiple exostoses; Hereditary multiple osteochondromas. Identifiers: Orphanet 321, MedGen C0015306, MONDO:0005508, HP:0002762.

Submission:

Labcorp Genetics (formerly Invitae), Labcorp
Classification: Pathogenic for Multiple congenital exostosis. Last evaluated: 2020-10-27. Review status: criteria provided, single submitter. Criteria: Invitae Variant Classification Sherloc (09022015). Collection method: clinical testing. Allele origin: germline.
Comment: This sequence change creates a premature translational stop signal (p.Leu386*) in the EXT1 gene. It is expected to result in an absent or disrupted protein product. Loss-of-function variants in EXT1 are known to be pathogenic (PMID: 10679937, 11391482, 19810120). This variant is not present in population databases (ExAC no frequency). For these reasons, this variant has been classified as Pathogenic. This variant has been observed in individual(s) with clinical features of hereditary multiple osteochondromas (PMID: 11170095).

Literature cited by the submitters: PubMed 10679937; PubMed 11391482; PubMed 19810120; PubMed 11170095.